The following is an entry in ClinVar:

ClinVar aggregate classification (germline): Benign/Likely benign. Review status: criteria provided, multiple submitters, no conflicts (2 of 4 stars). 3 submissions from 3 submitters: Benign (1); Likely benign (1). 1 of the submissions does not count toward it. Last evaluated 2026-02-01.

Conditions:
NHERF1-related disorder. Also called: NHERF1-related condition.

Allele frequency attached by ClinVar (database versions not stated): gnomAD exomes 0.00072; ExAC 0.00151; 1000 Genomes Project 0.00160; 1000 Genomes Project 30x 0.00203; gnomAD 0.00305 and 0.00327; ESP Exome Variant Server 0.00309; TOPMed 0.00349.
gnomAD v4.1: 865 of 1,579,034 alleles (0.055%); highest among the groups gnomAD compares: African/African-American, 0.99%; 5 homozygotes.

Submissions (3):

Labcorp Genetics (formerly Invitae), Labcorp
Classification: Benign. Last evaluated: 2026-02-01. Review status: criteria provided, single submitter. Criteria: Invitae Variant Classification Sherloc (09022015). Collection method: clinical testing. Allele origin: germline.

Blueprint Genetics
Classification: Likely benign. Last evaluated: 2024-09-02. Review status: criteria provided, single submitter. Criteria: ACMG Guidelines, 2015. Collection method: clinical testing. Allele origin: germline.

PreventionGenetics, part of Exact Sciences
Classification: Benign for NHERF1-related condition. Last evaluated: 2019-04-01. Review status: no assertion criteria provided. Collection method: clinical testing. Allele origin: germline. Not counted in ClinVar's aggregate classification.
Comment: This variant is classified as benign based on ACMG/AMP sequence variant interpretation guidelines (Richards et al. 2015 PMID: 25741868, with internal and published modifications).

NM_004252.5(NHERF1):c.267G>A (p.Leu89=)

Genes: NHERF1 (NHERF family PDZ scaffold protein 1; plus strand), SLC9A3R1-AS1 (SLC9A3R1 antisense RNA 1; minus strand). Cytogenetic location: 17q25.1.
Variant type: single nucleotide variant.
Coding change: c.267G>A on transcript NM_004252.5 (MANE Select); coding-DNA position 267, G replaced by A.
Protein change: p.Leu89=; no amino-acid change (leucine 89 retained).
Molecular consequence: synonymous variant.
Genome position (GRCh38, 1-based): chr17:74,749,113, G>A. VCF-style: chr17-74749113-G-A. GRCh37 (hg19) VCF-style: chr17-72745252-G-A.
Identifiers: ClinVar variation 708596 (VCV000708596.12), dbSNP rs376562365, ClinGen allele CA8750568.